The following is an entry in ClinVar:

NM_001205293.3(CACNA1E):c.4954T>C (p.Ser1652Pro)

Gene: CACNA1E (calcium voltage-gated channel subunit alpha1 E; plus strand). Cytogenetic location: 1q25.3.
Variant type: single nucleotide variant.
Coding change: c.4954T>C on transcript NM_001205293.3 (MANE Select); coding-DNA position 4954, T replaced by C.
Protein change: p.Ser1652Pro; replaces serine 1652 with proline.
Molecular consequence: missense variant.
Genome position (GRCh38, 1-based): chr1:181,771,365, T>C. VCF-style: chr1-181771365-T-C. GRCh37 (hg19) VCF-style: chr1-181740501-T-C.
Other names: c.4954T>C, p.Ser1652Pro (NM_000721.4); c.4897T>C, p.Ser1633Pro (NM_001205294.2); c.4954T>C (NM_000721.3); short protein forms S1633P, S1652P.
Identifiers: ClinVar variation 3027338 (VCV003027338.23), dbSNP rs2529117780, ClinGen allele CA343627901.

ClinVar aggregate classification (germline): Uncertain significance. Review status: criteria provided, multiple submitters, no conflicts (2 of 4 stars). 2 submissions from 2 submitters: Uncertain significance (2). Last evaluated 2025-03-21.

Submissions (2):

GeneDx
Classification: Uncertain significance. Last evaluated: 2025-03-21. Review status: criteria provided, single submitter. Criteria: GeneDx Variant Classification Process June 2021. Collection method: clinical testing. Allele origin: germline. Affected: yes.
Comment: Not observed at significant frequency in large population cohorts (gnomAD); In silico analysis supports that this missense variant has a deleterious effect on protein structure/function; Has not been previously published as pathogenic or benign to our knowledge

CeGaT Center for Human Genetics Tuebingen
Classification: Uncertain significance. Last evaluated: 2024-02-01. Review status: criteria provided, single submitter. Criteria: CeGaT Center For Human Genetics Tuebingen Variant Classification Criteria Version 2. Collection method: clinical testing. Allele origin: germline. Affected: yes. Observed: 1 variant allele.
Comment: CACNA1E: PM2, PP2